The following is an entry in ClinVar:

NM_020166.5(MCCC1):c.1750C>T (p.Gln584Ter)

Gene: MCCC1 (methylcrotonyl-CoA carboxylase subunit 1; minus strand). Cytogenetic location: 3q27.1.
Variant type: single nucleotide variant.
Coding change: c.1750C>T on transcript NM_020166.5 (MANE Select); coding-DNA position 1750, C replaced by T.
Protein change: p.Gln584Ter; replaces glutamine 584 with a stop codon.
Molecular consequence: nonsense. On other transcripts: non-coding transcript variant (2).
Genome position (GRCh38, 1-based): chr3:183,022,536, G>A on the plus strand (C>T on the coding strand, the complement: MCCC1 is on the minus strand). VCF-style: chr3-183022536-G-A. GRCh37 (hg19) VCF-style: chr3-182740324-G-A.
Other names: c.1399C>T, p.Gln467Ter (NM_001293273.2); c.1423C>T, p.Gln475Ter (NM_001363880.1); c.1750C>T (NM_020166.4); short protein forms Q467*, Q475*, Q584*.
Identifiers: ClinVar variation 2676466 (VCV002676466.2), dbSNP rs780499601, ClinGen allele CA2718660.

ClinVar aggregate classification (germline): Pathogenic. Review status: criteria provided, multiple submitters, no conflicts (2 of 4 stars). 2 submissions from 2 submitters: Pathogenic (2). Last evaluated 2024-11-11.

Conditions:
3-methylcrotonyl-CoA carboxylase 1 deficiency (MCC1D). Also called: MCCD TYPE 1; METHYLCROTONYLGLYCINURIA TYPE I; MCC 1 deficiency; 3 Alpha methylcrotonylglycinuria 1. Identifiers: Orphanet 6, MedGen CN028786, MONDO:0008861, OMIM 210200.

Allele frequency attached by ClinVar (database versions not stated): ExAC 0.00001; gnomAD 0.00001; gnomAD exomes 0.00001.

Submissions (2):

Natera, Inc.
Classification: Pathogenic for 3-methylcrotonyl-CoA carboxylase 1 deficiency. Last evaluated: 2024-11-11. Review status: criteria provided, single submitter. Criteria: Natera Variant Classification Schema (03/2026). Collection method: clinical testing. Allele origin: germline.
Comment: The c.1750C>T variant in MCCC1 is a nonsense variant predicted to introduce a stop codon at amino acid 584. This variant is expected to result in nonsense mediated decay, truncation, or a dysfunctional protein product. This variant is rare in the general population with a frequency below the threshold expected for the associated phenotype(s). This variant has been observed in one or more individuals affected with the associated recessive disease, as either homozygous or compound heterozygous with a second variant (PMID: 17968484). Given the available evidence, this variant is classified as Pathogenic.

Baylor Genetics
Classification: Pathogenic for 3-methylcrotonyl-CoA carboxylase 1 deficiency. Last evaluated: 2022-12-09. Review status: criteria provided, single submitter. Criteria: ACMG Guidelines, 2015. Collection method: clinical testing. Allele origin: unknown.

Literature cited by the submitters: PubMed 17968484 (cited by Natera, Inc.).